The following is an entry in ClinVar:

ClinVar aggregate classification (germline): Uncertain significance. Review status: criteria provided, multiple submitters, no conflicts (2 of 4 stars). 2 submissions from 2 submitters: Uncertain significance (2). Last evaluated 2022-06-27.

Conditions:
Congenital myasthenic syndrome 4A. Also called: Myasthenic syndrome, congenital, 4a, slow-channel; MYASTHENIC SYNDROME, CONGENITAL, 4A, SLOW-CHANNEL, AUTOSOMAL RECESSIVE; CONGENITAL MYASTHENIC SYNDROME TYPE Ia1. Identifiers: Orphanet 590, MedGen C4225413, MONDO:0011600, OMIM 605809.

Submissions (2):

Labcorp Genetics (formerly Invitae), Labcorp
Classification: Uncertain significance for Congenital myasthenic syndrome 4A. Last evaluated: 2022-06-27. Review status: criteria provided, single submitter. Criteria: Invitae Variant Classification Sherloc (09022015). Collection method: clinical testing. Allele origin: germline.
Comment: This variant, c.1077_1079del, results in the deletion of 1 amino acid(s) of the CHRNE protein (p.Pro360del), but otherwise preserves the integrity of the reading frame. This variant is not present in population databases (gnomAD no frequency). This variant has not been reported in the literature in individuals affected with CHRNE-related conditions. Experimental studies and prediction algorithms are not available or were not evaluated, and the functional significance of this variant is currently unknown. In summary, the available evidence is currently insufficient to determine the role of this variant in disease. Therefore, it has been classified as a Variant of Uncertain Significance.

Baylor Genetics
Classification: Uncertain significance for Congenital myasthenic syndrome 4A. Last evaluated: 2021-12-22. Review status: criteria provided, single submitter. Criteria: ACMG Guidelines, 2015. Collection method: clinical testing. Allele origin: unknown.

NM_000080.4(CHRNE):c.1071GCC[2] (p.Pro360del)

Genes: CHRNE (cholinergic receptor nicotinic epsilon subunit; minus strand), LOC130060041 (ATAC-STARR-seq lymphoblastoid silent region 8050; plus strand). Cytogenetic location: 17p13.2.
Variant type: Microsatellite.
Coding change: c.1071GCC[2] on transcript NM_000080.4 (MANE Select); two copies in a row of the 3-base unit GCC starting at c.1071; the reference has three copies in a row; one copy, 3 bases deleted; also written c.1077_1079del.
Protein change: p.Pro360del; deletes proline 360.
Molecular consequence: inframe deletion.
Genome position (GRCh38, 1-based): chr17:4,899,338-4,899,340, GGC deleted on the plus strand (GCC on the coding strand, the reverse complement: CHRNE is on the minus strand); deleting any 3 consecutive bases within chr17:4,899,338-4,899,348 gives the same sequence; the position shown is the placement nearest the transcript's 3' end. VCF-style (leftmost placement, unchanged base first): chr17-4899337-GGGC-G. GRCh37 (hg19) VCF-style: chr17-4802632-GGGC-G.
Other names: c.1077_1079del (NM_000080.4); short protein forms P360del.
Identifiers: ClinVar variation 1415746 (VCV001415746.5), dbSNP rs752226476, ClinGen allele CA2244610801.